The following is an entry in ClinVar:

NM_001267550.2(TTN):c.92924C>A (p.Thr30975Lys)

Genes: TTN-AS1 (TTN antisense RNA 1; plus strand), TTN (titin; minus strand). Cytogenetic location: 2q31.2.
Variant type: single nucleotide variant.
Coding change: c.92924C>A on transcript NM_001267550.2 (MANE Select); coding-DNA position 92924, C replaced by A.
Protein change: p.Thr30975Lys; replaces threonine 30975 with lysine.
Molecular consequence: missense variant.
Genome position (GRCh38, 1-based): chr2:178,548,702, G>T on the plus strand (C>A on the coding strand, the complement: TTN is on the minus strand). VCF-style: chr2-178548702-G-T. GRCh37 (hg19) VCF-style: chr2-179413429-G-T.
Other names: c.88001C>A, p.Thr29334Lys (NM_001256850.1); c.65729C>A, p.Thr21910Lys (NM_003319.4); c.85220C>A, p.Thr28407Lys (NM_133378.4); c.66104C>A, p.Thr22035Lys (NM_133432.3); c.66305C>A, p.Thr22102Lys (NM_133437.4); short protein forms T28407K, T30975K, T22035K, T21910K, T22102K, T29334K.
Identifiers: ClinVar variation 191853 (VCV000191853.5), dbSNP rs761971680, ClinGen allele CA237704.
Genomic context (GRCh38, chr2:178,548,702, plus strand): 5'-GTATATTTCCCTGCATCATTTCTGTTGCAGTTTTCCACAGTGAGGGTGCTGAAGGAATCT[G>T]TTGTATGGATATCAGCCCGAAGGCTAAGGTTAGAGTCTGGTTTGCTCCACACAGCTGTAG-3'
Protein context (NP_001254479.2, residues 30965-30985): NLSLRADIHT[Thr30975Lys]DSFSTLTVEN

ClinVar aggregate classification (germline): Uncertain significance. Review status: criteria provided, multiple submitters, no conflicts (2 of 4 stars). 3 submissions from 3 submitters: Uncertain significance (3). Last evaluated 2026-01-08.

Conditions:
TTN-related disorder. Also called: TTN-related condition; TTN-related disease; TTN-related disorders.

Allele frequency attached by ClinVar (database versions not stated): ExAC 0.00001; gnomAD exomes 0.00001; gnomAD 0.00004; TOPMed 0.00008.
gnomAD v4.1: 13 of 1,613,754 alleles (0.00081%); highest among the groups gnomAD compares: Admixed American, 0.01%; no homozygotes.

Submissions (3):

PreventionGenetics, part of Exact Sciences
Classification: Uncertain significance for TTN-related condition. Last evaluated: 2026-01-08. Review status: criteria provided, single submitter. Criteria: ACMG Guidelines, 2015. Collection method: clinical testing. Allele origin: germline.
Comment: The TTN c.92924C>A variant is predicted to result in the amino acid substitution p.Thr30975Lys. To our knowledge, this variant has not been reported in the literature. This variant is reported in 0.0065% of alleles in individuals of African descent in gnomAD. At this time, the clinical significance of this variant is uncertain due to the absence of conclusive functional and genetic evidence.

Revvity Omics, Revvity
Classification: Uncertain significance. Last evaluated: 2019-07-10. Review status: criteria provided, single submitter. Criteria: ACMG Guidelines, 2015. Collection method: clinical testing. Allele origin: germline.

Biesecker Lab/Clinical Genomics Section, National Institutes of Health
Classification: Uncertain significance. Last evaluated: 2013-06-24. Review status: criteria provided, single submitter. Criteria: Ng et al. (Circ Cardiovasc Genet. 2013). Collection method: research. Allele origin: unknown. Observed: 1 variant allele. Study: ClinSeq.
Comment: The study set was not selected for affection status in relation to any cancer. Pathogenicity categories were based on literature curation. See Pubmed ID:23861362 for details.

Medical sequencing